The following is an entry in ClinVar:

NM_017757.3(ZNF407):c.6606C>T (p.Ala2202=)

Gene: ZNF407 (zinc finger protein 407; plus strand). Cytogenetic location: 18q22.3.
Variant type: single nucleotide variant.
Coding change: c.6606C>T on transcript NM_017757.3 (MANE Select); coding-DNA position 6606, C replaced by T.
Protein change: p.Ala2202=; no amino-acid change (alanine 2202 retained).
Molecular consequence: synonymous variant.
Genome position (GRCh38, 1-based): chr18:75,064,327, C>T. VCF-style: chr18-75064327-C-T. GRCh37 (hg19) VCF-style: chr18-72776283-C-T.
Other names: c.6606C>T, p.Ala2202= (NM_001384475.1).
Identifiers: ClinVar variation 724795 (VCV000724795.20), dbSNP rs201280196, ClinGen allele CA9001415.
Genomic context (GRCh38, chr18:75,064,327, plus strand): 5'-GCCGGGCCTGTACTCCCACACCGTGCTGGAGACTGCGGACTCGCAGGAACTCCTGCAGGC[C>T]GGGGCCACGCTAGGCACAGAGGCCGGGGCCCCAAGCAGGGCAGAGCAGCTGGCCAGCGTG-3'
Protein context (NP_060227.2, residues 2192-2212): ETADSQELLQ[Ala2202=]GATLGTEAGA

ClinVar aggregate classification (germline): Benign/Likely benign. Review status: criteria provided, multiple submitters, no conflicts (2 of 4 stars). 4 submissions from 4 submitters: Benign (2); Likely benign (1). 1 of the submissions does not count toward it. Last evaluated 2025-12-01.

Conditions:
ZNF407-related disorder. Also called: ZNF407-related condition.

Allele frequency attached by ClinVar (database versions not stated): gnomAD exomes 0.00047 and 0.00070; 1000 Genomes Project 30x 0.00109; 1000 Genomes Project 0.00120; ExAC 0.00121; ESP Exome Variant Server 0.00246; gnomAD 0.00264 and 0.00285; TOPMed 0.00302.
gnomAD v4.1: 1,092 of 1,596,268 alleles (0.068%); highest among the groups gnomAD compares: African/African-American, 0.84%; 9 homozygotes.

Submissions (4):

CeGaT Center for Human Genetics Tuebingen
Classification: Likely benign. Last evaluated: 2025-12-01. Review status: criteria provided, single submitter. Criteria: CeGaT Center For Human Genetics Tuebingen Variant Classification Criteria Version 2. Collection method: clinical testing. Allele origin: germline. Affected: yes. Observed: 2 variant alleles.
Comment: ZNF407: BP4, BP7

Labcorp Genetics (formerly Invitae), Labcorp
Classification: Benign. Last evaluated: 2019-12-31. Review status: criteria provided, single submitter. Criteria: Invitae Variant Classification Sherloc (09022015). Collection method: clinical testing. Allele origin: germline.

Breakthrough Genomics
Classification: Benign. Review status: criteria provided, single submitter. Criteria: ACMG Guidelines, 2015. Collection method: not provided. Allele origin: germline. Inheritance: Autosomal recessive inheritance. Affected: yes.

PreventionGenetics, part of Exact Sciences
Classification: Benign for ZNF407-related condition. Last evaluated: 2020-11-10. Review status: no assertion criteria provided. Collection method: clinical testing. Allele origin: germline. Not counted in ClinVar's aggregate classification.
Comment: This variant is classified as benign based on ACMG/AMP sequence variant interpretation guidelines (Richards et al. 2015 PMID: 25741868, with internal and published modifications).